The following is an entry in ClinVar:

ClinVar aggregate classification (germline): Uncertain significance (1 of 4 stars; one submission).

Submission:

Women's Health and Genetics/Laboratory Corporation of America, LabCorp
Classification: Uncertain significance. Last evaluated: 2026-02-18. Review status: criteria provided, single submitter. Criteria: LabCorp Variant Classification Summary - May 2015. Collection method: clinical testing. Allele origin: germline.
Comment: Variant summary: TAF4 c.685C>T (p.Pro229Ser) results in a non-conservative amino acid change in the encoded protein sequence. Algorithms developed to predict the effect of missense changes on protein structure and function are either unavailable or do not agree on the potential impact of this missense change. The variant was absent in 87224 control chromosomes. The available data on variant occurrences in the general population are insufficient to allow any conclusion about variant significance. To our knowledge, no occurrence of c.685C>T in individuals affected with TAF4-related conditions and no experimental evidence demonstrating its impact on protein function have been reported. ClinVar contains an entry for this variant (Variation ID: 3366735). Based on the evidence outlined above, the variant was classified as uncertain significance.

NM_003185.4(TAF4):c.685C>T (p.Pro229Ser)

Gene: TAF4 (TATA-box binding protein associated factor 4; minus strand). Cytogenetic location: 20q13.33.
Variant type: single nucleotide variant.
Coding change: c.685C>T on transcript NM_003185.4 (MANE Select); coding-DNA position 685, C replaced by T.
Protein change: p.Pro229Ser; replaces proline 229 with serine.
Molecular consequence: missense variant.
Genome position (GRCh38, 1-based): chr20:62,065,126, G>A on the plus strand (C>T on the coding strand, the complement: TAF4 is on the minus strand). VCF-style: chr20-62065126-G-A. GRCh37 (hg19) VCF-style: chr20-60640182-G-A.
Other names: short protein forms P229S.
Identifiers: ClinVar variation 3366735 (VCV003366735.2).